The following is an entry in ClinVar:

NM_014795.4(ZEB2):c.2056G>T (p.Glu686Ter)

Gene: ZEB2 (zinc finger E-box binding homeobox 2; minus strand). Cytogenetic location: 2q22.3.
Variant type: single nucleotide variant.
Coding change: c.2056G>T on transcript NM_014795.4 (MANE Select); coding-DNA position 2056, G replaced by T.
Protein change: p.Glu686Ter; replaces glutamic acid 686 with a stop codon.
Molecular consequence: nonsense.
Genome position (GRCh38, 1-based): chr2:144,399,131, C>A on the plus strand (G>T on the coding strand, the complement: ZEB2 is on the minus strand). VCF-style: chr2-144399131-C-A. GRCh37 (hg19) VCF-style: chr2-145156698-C-A.
Other names: c.1984G>T, p.Glu662Ter (NM_001171653.2); short protein forms E662*, E686*.
Identifiers: ClinVar variation 1320262 (VCV001320262.1), dbSNP rs2149876873, ClinGen allele CA348709137.

ClinVar aggregate classification (germline): Pathogenic (1 of 4 stars; one submission).

Conditions:
Mowat-Wilson syndrome (MOWS). Also called: Classic Mowat-Wilson Syndrome. Identifiers: Orphanet 2152, MedGen C1856113, MONDO:0009341, OMIM 235730.

Submission:

3billion
Classification: Pathogenic for Mowat-Wilson syndrome. Last evaluated: 2021-10-02. Review status: criteria provided, single submitter. Criteria: ACMG Guidelines, 2015. Collection method: clinical testing. Allele origin: germline. Affected: yes. Observed: 1 heterozygote.
Comment: Stop-gained (nonsense): predicted to result in a loss or disruption of normal protein function through nonsense-mediated decay (NMD) or protein truncation. Multiple pathogenic variants are reported downstream of the variant (PVS1_VS). It is not observed in the gnomAD v2.1.1 dataset (PM2). The variant was observed as assumed (i.e. paternity and maternity not confirmed) de novoo (3billion dataset, PM6). Therefore, this variant is classified as pathogenic according to the recommendation of ACMG/AMP guideline.